The following is an entry in ClinVar:

ClinVar aggregate classification (germline): Uncertain significance (1 of 4 stars; one submission).

Conditions:
Catecholaminergic polymorphic ventricular tachycardia (CVPT). Also called: Catecholamine-induced polymorphic ventricular tachycardia. Identifiers: Orphanet 3286, MedGen C5574922, MONDO:0017990.

Submission:

All of Us Research Program, National Institutes of Health
Classification: Uncertain significance for Catecholaminergic polymorphic ventricular tachycardia. Last evaluated: 2023-06-08. Review status: criteria provided, single submitter. Criteria: ACMG Guidelines, 2015. Collection method: clinical testing. Allele origin: germline. Inheritance: Autosomal dominant inheritance. Observed: 1 variant allele, 1 heterozygote.
Comment: This variant causes an A to G nucleotide substitution at the +4 position of intron 11 of the RYR2 gene. Splice site prediction tools suggest that this variant may have a significant impact on RNA splicing. However, this prediction has not been confirmed in published RNA studies. This variant has not been reported in individuals affected with RYR2-related disorders in the literature. This variant has not been identified in the general population by the Genome Aggregation Database (gnomAD). The available evidence is insufficient to determine the role of this variant in disease conclusively. Therefore, this variant is classified as a Variant of Uncertain Significance.

This study involves interpretation of variants in research participants for the purpose of population health screening. Participant phenotype was not available at the time of variant classification. Additional details can be found in publication PMID: 35346344, PMCID: PMC8962531

NM_001035.3(RYR2):c.848+4A>G

Gene: RYR2 (ryanodine receptor 2; plus strand). Cytogenetic location: 1q43.
Variant type: single nucleotide variant.
Coding change: c.848+4A>G on transcript NM_001035.3 (MANE Select); 4 bases into the intron after coding-DNA position 848, A replaced by G.
Molecular consequence: intron variant.
Genome position (GRCh38, 1-based): chr1:237,417,127, A>G. VCF-style: chr1-237417127-A-G. GRCh37 (hg19) VCF-style: chr1-237580427-A-G.
Identifiers: ClinVar variation 3071581 (VCV003071581.1), dbSNP rs2528016721, ClinGen allele CA2825000926.
Genomic context (GRCh38, chr1:237,417,127, plus strand): 5'-TGGCGCTGTGTCTGTTCATGCACGTTCCCTTTGGAGACTAGAGACGCTAAGAGTTGCGTA[A>G]GTAGAACTTCTAAACACAGCCTAATGCACCAAGTGTACCAAATAGCTCAGCGTTGTGCTT-3'